The following is an entry in ClinVar:

NM_002017.5(FLI1):c.110C>T (p.Ser37Leu)

Gene: FLI1 (Fli-1 proto-oncogene, ETS transcription factor; plus strand). Cytogenetic location: 11q24.3.
Variant type: single nucleotide variant.
Coding change: c.110C>T on transcript NM_002017.5 (MANE Select); coding-DNA position 110, C replaced by T.
Protein change: p.Ser37Leu; replaces serine 37 with leucine.
Molecular consequence: missense variant. On other transcripts: 5 prime UTR variant (2).
Genome position (GRCh38, 1-based): chr11:128,758,206, C>T. VCF-style: chr11-128758206-C-T. GRCh37 (hg19) VCF-style: chr11-128628101-C-T.
Other names: c.11C>T, p.Ser4Leu (NM_001167681.3); c.-260C>T (NM_001271010.2); c.-111C>T (NM_001271012.2); short protein forms S37L, S4L.
Identifiers: ClinVar variation 2783179 (VCV002783179.3), dbSNP rs1402939267, ClinGen allele CA383233964.

ClinVar aggregate classification (germline): Uncertain significance (1 of 4 stars; one submission).

Allele frequency attached by ClinVar (database versions not stated): gnomAD exomes below 0.00001; TOPMed below 0.00001.
gnomAD v4.1: 5 of 1,613,190 alleles (0.00031%); highest among the groups gnomAD compares: Non-Finnish European, 0.00042%; no homozygotes.

Submission:

Labcorp Genetics (formerly Invitae), Labcorp
Classification: Uncertain significance. Last evaluated: 2023-03-07. Review status: criteria provided, single submitter. Criteria: Invitae Variant Classification Sherloc (09022015). Collection method: clinical testing. Allele origin: germline.
Comment: In summary, the available evidence is currently insufficient to determine the role of this variant in disease. Therefore, it has been classified as a Variant of Uncertain Significance. Advanced modeling of protein sequence and biophysical properties (such as structural, functional, and spatial information, amino acid conservation, physicochemical variation, residue mobility, and thermodynamic stability) performed at Invitae indicates that this missense variant is not expected to disrupt FLI1 protein function. This variant has not been reported in the literature in individuals affected with FLI1-related conditions. This variant is present in population databases (no rsID available, gnomAD 0.0009%). This sequence change replaces serine, which is neutral and polar, with leucine, which is neutral and non-polar, at codon 37 of the FLI1 protein (p.Ser37Leu).